The following is an entry in ClinVar:

ClinVar aggregate classification (germline): Likely benign. Review status: criteria provided, multiple submitters, no conflicts (2 of 4 stars). 3 submissions from 3 submitters: Likely benign (3). Last evaluated 2025-01-15.

Conditions:
MERTK-related disorder. Also called: MERTK-related condition.

Allele frequency attached by ClinVar (database versions not stated): gnomAD 0.00005 and 0.00006; TOPMed 0.00009; ESP Exome Variant Server 0.00015.
gnomAD v4.1: 131 of 1,614,028 alleles (0.0081%); highest among the groups gnomAD compares: Admixed American, 0.047%; no homozygotes.

Submissions (3):

Labcorp Genetics (formerly Invitae), Labcorp
Classification: Likely benign. Last evaluated: 2025-01-15. Review status: criteria provided, single submitter. Criteria: Invitae Variant Classification Sherloc (09022015). Collection method: clinical testing. Allele origin: germline.

PreventionGenetics, part of Exact Sciences
Classification: Likely benign for MERTK-related condition. Last evaluated: 2024-11-22. Review status: criteria provided, single submitter. Criteria: ACMG Guidelines, 2015. Collection method: clinical testing. Allele origin: germline.
Comment: This variant is classified as likely benign based on ACMG/AMP sequence variant interpretation guidelines (Richards et al. 2015 PMID: 25741868, with internal and published modifications).

Blueprint Genetics
Classification: Likely benign. Last evaluated: 2022-09-08. Review status: criteria provided, single submitter. Criteria: ACMG Guidelines, 2015. Collection method: clinical testing. Allele origin: germline.

NM_006343.3(MERTK):c.1368G>A (p.Thr456=)

Gene: MERTK (MER proto-oncogene, tyrosine kinase; plus strand). Cytogenetic location: 2q13.
Variant type: single nucleotide variant.
Coding change: c.1368G>A on transcript NM_006343.3 (MANE Select); coding-DNA position 1368, G replaced by A.
Protein change: p.Thr456=; no amino-acid change (threonine 456 retained).
Molecular consequence: synonymous variant.
Genome position (GRCh38, 1-based): chr2:111,994,322, G>A. VCF-style: chr2-111994322-G-A. GRCh37 (hg19) VCF-style: chr2-112751899-G-A.
Identifiers: ClinVar variation 739863 (VCV000739863.10), dbSNP rs374043440, ClinGen allele CA1831364.